The following is an entry in ClinVar:

NM_020964.3(EPG5):c.5056C>T (p.Arg1686Cys)

Gene: EPG5 (ectopic P-granules 5 autophagy tethering factor; minus strand). Cytogenetic location: 18q12.3.
Variant type: single nucleotide variant.
Coding change: c.5056C>T on transcript NM_020964.3 (MANE Select); coding-DNA position 5056, C replaced by T.
Protein change: p.Arg1686Cys; replaces arginine 1686 with cysteine.
Molecular consequence: missense variant.
Genome position (GRCh38, 1-based): chr18:45,887,804, G>A on the plus strand (C>T on the coding strand, the complement: EPG5 is on the minus strand). VCF-style: chr18-45887804-G-A. GRCh37 (hg19) VCF-style: chr18-43467769-G-A.
Other names: c.5056C>T, p.Arg1686Cys (NM_001410858.1, NM_001410859.1); short protein forms R1686C.
Identifiers: ClinVar variation 2129026 (VCV002129026.1), dbSNP rs746611209, ClinGen allele CA8948686.

ClinVar aggregate classification (germline): Uncertain significance (1 of 4 stars; one submission).

Conditions:
Vici syndrome (VICIS). Identifiers: Orphanet 1493, MedGen C1855772, MONDO:0009452, OMIM 242840.

Allele frequency attached by ClinVar (database versions not stated): gnomAD exomes below 0.00001; TOPMed below 0.00001; ExAC 0.00001.
gnomAD v4.1: 3 of 1,601,574 alleles (0.00019%); highest among the groups gnomAD compares: East Asian, 0.0022%; no homozygotes.

Submission:

Labcorp Genetics (formerly Invitae), Labcorp
Classification: Uncertain significance for Vici syndrome. Last evaluated: 2022-09-13. Review status: criteria provided, single submitter. Criteria: Invitae Variant Classification Sherloc (09022015). Collection method: clinical testing. Allele origin: germline.
Comment: This sequence change replaces arginine, which is basic and polar, with cysteine, which is neutral and slightly polar, at codon 1686 of the EPG5 protein (p.Arg1686Cys). The frequency data for this variant in the population databases is considered unreliable, as metrics indicate poor data quality at this position in the gnomAD database. This variant has not been reported in the literature in individuals affected with EPG5-related conditions. Advanced modeling of protein sequence and biophysical properties (such as structural, functional, and spatial information, amino acid conservation, physicochemical variation, residue mobility, and thermodynamic stability) performed at Invitae indicates that this missense variant is expected to disrupt EPG5 protein function. In summary, the available evidence is currently insufficient to determine the role of this variant in disease. Therefore, it has been classified as a Variant of Uncertain Significance.